The following is an entry in ClinVar:

ClinVar aggregate classification (germline): Uncertain significance (1 of 4 stars; one submission).

Conditions:
21-Hydroxylase-Deficient Congenital Adrenal Hyperplasia. Also called: ADRENAL HYPERPLASIA III; ADRENAL HYPERPLASIA, CONGENITAL, DUE TO 21-HYDROXYLASE DEFICIENCY. Identifiers: MedGen C2936858, OMIM 201910.

Submission:

Hema, HEMA – Genetic and Molecular Diagnostic Laboratory
Classification: Uncertain significance for 21-Hydroxylase-Deficient Congenital Adrenal Hyperplasia. Last evaluated: 2026-03-06. Review status: criteria provided, single submitter. Criteria: HEMA Variant Classification Assertion Criteria. Collection method: clinical testing. Allele origin: germline.
Comment: The c.293-12C>A variant is a transversion from cytosine to adenine located in the acceptor region of intron 2. PM2_Supporting: Absent in the gnomAD v4.1.0 database. BP4: According to the splicing predictor SpliceAI, the variant does not affect splicing (gain of acceptor score = 0.06 ≤ 0.1).

NM_000500.9(CYP21A2):c.293-12C>A

Genes: CYP21A2 (cytochrome P450 family 21 subfamily A member 2; plus strand), LOC106780800 (CYP21A2 recombination region; plus strand). Cytogenetic location: 6p21.33.
Variant type: single nucleotide variant.
Coding change: c.293-12C>A on transcript NM_000500.9 (MANE Select); 12 bases into the intron before coding-DNA position 293, C replaced by A.
Molecular consequence: intron variant. On other transcripts: 5 prime UTR variant (2).
Genome position (GRCh38, 1-based): chr6:32,039,082, C>A. VCF-style: chr6-32039082-C-A. GRCh37 (hg19) VCF-style: chr6-32006859-C-A.
Other names: c.-125C>A (NM_001368143.2, NM_001368144.2); c.203-12C>A (NM_001128590.4).
Identifiers: ClinVar variation 5042611 (VCV005042611.1).
Genomic context (GRCh38, chr6:32,039,082, plus strand): 5'-GAGGCCGAAGAAGGTCAGGCCCTCAGCTGCCTTCATCAGTTCCCACCCTCCAGCCCCCAC[C>A]TCCTCCTGCAGACAAGCTGGTGTCTAGGAACTACCCGGACCTGTCCTTGGGAGACTACTC-3'